The following is an entry in ClinVar:

ClinVar aggregate classification (germline): Benign/Likely benign. Review status: criteria provided, multiple submitters, no conflicts (2 of 4 stars). 4 submissions from 4 submitters: Benign (3); Likely benign (1). Last evaluated 2026-01-28.

Conditions:
3M syndrome 1. Also called: 3-M Syndrome, CUL7-Related. Identifiers: Orphanet 2616, MedGen C2678312, MONDO:0010117, OMIM 273750.

Allele frequency attached by ClinVar (database versions not stated): 1000 Genomes Project 0.00359; ESP Exome Variant Server 0.00008; gnomAD exomes 0.00034 and 0.00125; gnomAD 0.00042 and 0.00058; TOPMed 0.00058; ExAC 0.00114; 1000 Genomes Project 30x 0.00344.

Submissions (4):

Labcorp Genetics (formerly Invitae), Labcorp
Classification: Benign. Last evaluated: 2026-01-28. Review status: criteria provided, single submitter. Criteria: Invitae Variant Classification Sherloc (09022015). Collection method: clinical testing. Allele origin: germline.

Fulgent Genetics
Classification: Likely benign for 3M syndrome 1. Last evaluated: 2021-12-28. Review status: criteria provided, single submitter. Criteria: ACMG Guidelines, 2015. Collection method: clinical testing. Allele origin: unknown.

Illumina Laboratory Services, Illumina
Classification: Benign for 3M syndrome 1. Last evaluated: 2018-01-13. Review status: criteria provided, single submitter. Criteria: ICSL Variant Classification Criteria 13 December 2019. Collection method: clinical testing. Allele origin: germline.
Comment: This variant was observed in the ICSL laboratory as part of a predisposition screen in an ostensibly healthy population. It had not been previously curated by ICSL or reported in the Human Gene Mutation Database (HGMD: prior to June 1st, 2018), and was therefore a candidate for classification through an automated scoring system. Utilizing variant allele frequency, disease prevalence and penetrance estimates, and inheritance mode, an automated score was calculated to assess if this variant is too frequent to cause the disease. Based on the score and internal cut-off values, a variant classified as benign is not then subjected to further curation. The score for this variant resulted in a classification of benign for this disease.

Eurofins Ntd Llc (ga)
Classification: Benign. Last evaluated: 2015-02-16. Review status: criteria provided, single submitter. Criteria: EGL Classification Definitions 2015. Collection method: clinical testing. Allele origin: germline. Observed: 1 variant allele, 1 heterozygote.

NM_014780.5(CUL7):c.1030G>A (p.Ala344Thr)

Gene: CUL7 (cullin 7; minus strand). Cytogenetic location: 6p21.1.
Variant type: single nucleotide variant.
Coding change: c.1030G>A on transcript NM_014780.5 (MANE Select); coding-DNA position 1030, G replaced by A.
Protein change: p.Ala344Thr; replaces alanine 344 with threonine.
Molecular consequence: missense variant.
Genome position (GRCh38, 1-based): chr6:43,051,171, C>T on the plus strand (G>A on the coding strand, the complement: CUL7 is on the minus strand). VCF-style: chr6-43051171-C-T. GRCh37 (hg19) VCF-style: chr6-43018909-C-T.
Other names: c.1126G>A, p.Ala376Thr (NM_001168370.2, NM_001374872.1); c.1030G>A, p.Ala344Thr (NM_001374873.1, NM_001374874.1); short protein forms A344T, A376T.
Identifiers: ClinVar variation 197299 (VCV000197299.20), dbSNP rs183119565, ClinGen allele CA202803.